The following is an entry in ClinVar:

NM_007294.4(BRCA1):c.3396C>T (p.Asn1132=)

Genes: BRCA1 (BRCA1 DNA repair associated; minus strand), LOC126862571 (BRD4-independent group 4 enhancer GRCh37_chr17:41243136-41244335; plus strand). Cytogenetic location: 17q21.31.
Variant type: single nucleotide variant.
Coding change: c.3396C>T on transcript NM_007294.4 (MANE Select); coding-DNA position 3396, C replaced by T.
Protein change: p.Asn1132=; no amino-acid change (asparagine 1132 retained).
Molecular consequence: synonymous variant. On other transcripts: intron variant (135).
Genome position (GRCh38, 1-based): chr17:43,092,135, G>A on the plus strand (C>T on the coding strand, the complement: BRCA1 is on the minus strand). VCF-style: chr17-43092135-G-A. GRCh37 (hg19) VCF-style: chr17-41244152-G-A.
Other names: c.3396C>T, p.Asn1132= (NM_001407598.1, NM_001407602.1, NM_001407603.1 and 30 more transcripts); c.3393C>T, p.Asn1131= (NM_001407610.1, NM_001407611.1, NM_001407612.1 and 22 more transcripts); c.3387C>T, p.Asn1129= (NM_001407646.1, NM_001407647.1); c.3273C>T, p.Asn1091= (NM_001407648.1, NM_001407664.1, NM_001407665.1 and 19 more transcripts); c.3270C>T, p.Asn1090= (NM_001407649.1, NM_001407670.1, NM_001407671.1 and 11 more transcripts); c.3318C>T, p.Asn1106= (NM_001407653.1, NM_001407654.1, NM_001407655.1 and 4 more transcripts); c.3315C>T, p.Asn1105= (NM_001407659.1, NM_001407660.1, NM_001407661.1 and 1 more transcripts); c.3255C>T, p.Asn1085= (NM_001407692.1, NM_001407694.1, NM_001407695.1 and 29 more transcripts); and 41 more.
Identifiers: ClinVar variation 427334 (VCV000427334.8), dbSNP rs764013144, ClinGen allele CA057914.

ClinVar aggregate classification (germline): Likely benign. Review status: reviewed by expert panel (3 of 4 stars). 4 submissions from 4 submitters: Likely benign (1). 3 of the submissions do not count toward it. Last evaluated 2017-06-29.

Conditions:
Hereditary breast ovarian cancer syndrome. Also called: Hereditary breast and ovarian cancer syndrome (HBOC); BRCA1- and BRCA2-Associated Hereditary Breast and Ovarian Cancer; Hereditary breast and/or ovarian cancer syndrome; Hereditary breast and ovarian cancer syndrome; Hereditary breast and ovarian cancer; Breast and ovarian cancer. Identifiers: Orphanet 145, MedGen C0677776, MeSH D061325, MONDO:0003582. Disease mechanism: loss of function.
Hereditary cancer-predisposing syndrome. Also called: Neoplastic Syndromes, Hereditary; Hereditary neoplastic syndrome; Tumor predisposition; Hereditary Cancer Syndrome. Identifiers: Orphanet 140162, MedGen C0027672, MeSH D009386, MONDO:0015356.
Breast-ovarian cancer, familial, susceptibility to, 1 (BROVCA1). Also called: BRCA1 Hereditary Breast and Ovarian Cancer; OVARIAN CANCER, SUSCEPTIBILITY TO. Identifiers: Orphanet 145, MedGen C2676676, MONDO:0011450, OMIM 604370. Disease mechanism: loss of function.

Allele frequency attached by ClinVar (database versions not stated): gnomAD exomes 0.00001; ExAC 0.00002.
gnomAD v4.1: 5 of 1,613,522 alleles (0.00031%); highest among the groups gnomAD compares: Non-Finnish European, 0.00042%; no homozygotes.

Submissions (4):

Evidence-based Network for the Interpretation of Germline Mutant Alleles (ENIGMA)
Classification: Likely benign for Breast-ovarian cancer, familial, susceptibility to, 1. Last evaluated: 2017-06-29. Review status: reviewed by expert panel. Criteria: ENIGMA BRCA1/2 Classification Criteria (2017-06-29). Collection method: curation. Allele origin: germline.
Comment: Synonymous substitution variant, with low bioinformatic likelihood to result in a splicing aberration (Splicing prior probability 0.02).

Labcorp Genetics (formerly Invitae), Labcorp
Classification: Likely benign for Hereditary breast ovarian cancer syndrome. Last evaluated: 2024-12-18. Review status: criteria provided, single submitter. Criteria: Invitae Variant Classification Sherloc (09022015). Collection method: clinical testing. Allele origin: germline. Not counted in ClinVar's aggregate classification.

All of Us Research Program, National Institutes of Health
Classification: Likely benign for Breast-ovarian cancer, familial, susceptibility to, 1. Last evaluated: 2023-10-02. Review status: criteria provided, single submitter. Criteria: ACMG Guidelines, 2015. Collection method: clinical testing. Allele origin: germline. Inheritance: Autosomal dominant inheritance. Observed: 1 variant allele, 1 heterozygote. Not counted in ClinVar's aggregate classification.
Comment: This study involves interpretation of variants in research participants for the purpose of population health screening. Participant phenotype was not available at the time of variant classification. Additional details can be found in publication PMID: 35346344, PMCID: PMC8962531

Ambry Genetics
Classification: Likely benign for Hereditary cancer-predisposing syndrome. Last evaluated: 2023-09-19. Review status: criteria provided, single submitter. Criteria: Ambry Variant Classification Scheme 2023. Collection method: clinical testing. Allele origin: germline. Not counted in ClinVar's aggregate classification.